The following is an entry in ClinVar:

ClinVar aggregate classification (germline): Uncertain significance (1 of 4 stars; one submission).

gnomAD v4.1: 1 of 1,211,114 alleles (0.000083%); highest among the groups gnomAD compares: South Asian, 0.0018%; no homozygotes.

Submission:

GeneDx
Classification: Uncertain significance. Last evaluated: 2023-10-17. Review status: criteria provided, single submitter. Criteria: GeneDx Variant Classification Process June 2021. Collection method: clinical testing. Allele origin: germline. Affected: yes.
Comment: In silico analysis supports that this missense variant does not alter protein structure/function; Has not been previously published as pathogenic or benign to our knowledge

NM_004187.5(KDM5C):c.4091C>T (p.Ala1364Val)

Gene: KDM5C (lysine demethylase 5C; minus strand). Cytogenetic location: Xp11.22.
Variant type: single nucleotide variant.
Coding change: c.4091C>T on transcript NM_004187.5 (MANE Select); coding-DNA position 4091, C replaced by T.
Protein change: p.Ala1364Val; replaces alanine 1364 with valine.
Molecular consequence: missense variant. On other transcripts: non-coding transcript variant (3).
Genome position (GRCh38, 1-based): chrX:53,193,799, G>A on the plus strand (C>T on the coding strand, the complement: KDM5C is on the minus strand). VCF-style: chrX-53193799-G-A. GRCh37 (hg19) VCF-style: chrX-53222981-G-A.
Other names: c.3890C>T, p.Ala1297Val (NM_001146702.2); c.4088C>T, p.Ala1363Val (NM_001282622.3, NM_001353979.2, NM_001353982.2); c.4091C>T, p.Ala1364Val (NM_001353978.3, NM_001353981.2, NM_001353984.2); short protein forms A1297V, A1363V, A1364V.
Identifiers: ClinVar variation 3363236 (VCV003363236.1).